The following is an entry in ClinVar:

NM_001164508.2(NEB):c.10434T>C (p.Asn3478=)

Gene: NEB (nebulin; minus strand). Cytogenetic location: 2q23.3.
Variant type: single nucleotide variant.
Coding change: c.10434T>C on transcript NM_001164508.2 (MANE Select); coding-DNA position 10434, T replaced by C.
Protein change: p.Asn3478=; no amino-acid change (asparagine 3478 retained).
Molecular consequence: synonymous variant.
Genome position (GRCh38, 1-based): chr2:151,625,552, A>G on the plus strand (T>C on the coding strand, the complement: NEB is on the minus strand). VCF-style: chr2-151625552-A-G. GRCh37 (hg19) VCF-style: chr2-152482066-A-G.
Other names: c.10434T>C, p.Asn3478= (NM_001164507.2, NM_001271208.2); c.9705T>C, p.Asn3235= (NM_004543.5).
Identifiers: ClinVar variation 387565 (VCV000387565.19), dbSNP rs375543045, ClinGen allele CA1909033.
Genomic context (GRCh38, chr2:151,625,552, plus strand): 5'-ATCAATGTGGCCAGACCAAAGAAATAAAACAAATGATCTTACCTCACTATAATTTATTTT[A>G]TTTTGTCTTGCCAACATGATTTCAGGTGTATCAGGCATAATATGGACTTGGGTCTTGTCT-3'
Protein context (NP_001157980.2, residues 3468-3488): DTPEIMLARQ[Asn3478=]KINYSESLYR

ClinVar aggregate classification (germline): Conflicting classifications of pathogenicity. Review status: criteria provided, conflicting classifications (1 of 4 stars). 6 submissions from 6 submitters: Uncertain significance (1); Benign (1); Likely benign (3). 1 of the submissions does not count toward it. Last evaluated 2026-01-25.

Conditions:
NEB-related disorder. Also called: NEB-related condition; NEB-Related Disorders.
Nemaline myopathy 2 (NEM2). Also called: Nemaline myopathy 2, autosomal recessive. Identifiers: MedGen C1850569, MONDO:0009725, OMIM 256030.

Allele frequency attached by ClinVar (database versions not stated): gnomAD exomes 0.00008 and 0.00018; 1000 Genomes Project 30x 0.00031; ExAC 0.00031; 1000 Genomes Project 0.00040; ESP Exome Variant Server 0.00059; gnomAD 0.00078 and 0.00088; TOPMed 0.00092.
gnomAD v4.1: 231 of 1,599,156 alleles (0.014%); highest among the groups gnomAD compares: African/African-American, 0.28%; no homozygotes.

Submissions (6):

Labcorp Genetics (formerly Invitae), Labcorp
Classification: Benign for Nemaline myopathy 2. Last evaluated: 2026-01-25. Review status: criteria provided, single submitter. Criteria: Invitae Variant Classification Sherloc (09022015). Collection method: clinical testing. Allele origin: germline.

Women's Health and Genetics/Laboratory Corporation of America, LabCorp
Classification: Likely benign. Last evaluated: 2025-12-11. Review status: criteria provided, single submitter. Criteria: LabCorp Variant Classification Summary - May 2015. Collection method: clinical testing. Allele origin: germline.

Blueprint Genetics
Classification: Likely benign. Last evaluated: 2024-10-09. Review status: criteria provided, single submitter. Criteria: ACMG Guidelines, 2015. Collection method: clinical testing. Allele origin: germline.

Eurofins Ntd Llc (ga)
Classification: Uncertain significance. Last evaluated: 2016-12-21. Review status: criteria provided, single submitter. Criteria: EGL Classification Definitions 2015. Collection method: clinical testing. Allele origin: germline. Observed: 2 variant alleles, 2 heterozygotes.

GeneDx
Classification: Likely benign. Last evaluated: 2016-07-27. Review status: criteria provided, single submitter. Criteria: GeneDx Variant Classification (06012015). Collection method: clinical testing. Allele origin: germline. Affected: yes.
Comment: This variant is considered likely benign or benign based on one or more of the following criteria: it is a conservative change, it occurs at a poorly conserved position in the protein, it is predicted to be benign by multiple in silico algorithms, and/or has population frequency not consistent with disease.

PreventionGenetics, part of Exact Sciences
Classification: Likely benign for NEB-related condition. Last evaluated: 2019-04-23. Review status: no assertion criteria provided. Collection method: clinical testing. Allele origin: germline. Not counted in ClinVar's aggregate classification.
Comment: This variant is classified as likely benign based on ACMG/AMP sequence variant interpretation guidelines (Richards et al. 2015 PMID: 25741868, with internal and published modifications).